The following is an entry in ClinVar:

ClinVar aggregate classification (germline): Conflicting classifications of pathogenicity. Review status: criteria provided, conflicting classifications (1 of 4 stars). 2 submissions from 2 submitters: Uncertain significance (1); Likely benign (1). Last evaluated 2025-08-29.

Conditions:
Arrhythmogenic cardiomyopathy with wooly hair and keratoderma. Also called: Arrhythmogenic cardiomyopathy with woolly hair and keratoderma; Dilated cardiomyopathy with woolly hair and keratoderma; Carvajal syndrome; PALMOPLANTAR KERATODERMA WITH LEFT VENTRICULAR CARDIOMYOPATHY AND WOOLLY HAIR. Identifiers: Orphanet 65282, MedGen C1854063, MONDO:0011581, OMIM 605676.
Arrhythmogenic right ventricular dysplasia 8 (ARVD8). Also called: Arrhythmogenic Right Ventricular Dysplasia/Cardiomyopathy 8; ARRHYTHMOGENIC RIGHT VENTRICULAR DYSPLASIA, FAMILIAL, 8; ARRHYTHMOGENIC RIGHT VENTRICULAR CARDIOMYOPATHY 8. Identifiers: MedGen C1843896, MONDO:0011831, OMIM 607450.
Cardiomyopathy (CMYO). Also called: Cardiomyopathies. Identifiers: Orphanet 167848, MedGen C0878544, MONDO:0004994, HP:0001638. Inheritance: Various modes of inheritance.

Allele frequency attached by ClinVar (database versions not stated): gnomAD 0.00001; TOPMed 0.00002.
gnomAD v4.1: 17 of 1,613,956 alleles (0.0011%); highest among the groups gnomAD compares: South Asian, 0.0088%; no homozygotes.

Submissions (2):

Labcorp Genetics (formerly Invitae), Labcorp
Classification: Likely benign for Arrhythmogenic cardiomyopathy with wooly hair and keratoderma; Arrhythmogenic right ventricular dysplasia 8. Last evaluated: 2025-08-29. Review status: criteria provided, single submitter. Criteria: Invitae Variant Classification Sherloc (09022015). Collection method: clinical testing. Allele origin: germline.

Color Diagnostics, LLC DBA Color Health
Classification: Uncertain significance for Cardiomyopathy. Last evaluated: 2023-09-15. Review status: criteria provided, single submitter. Criteria: ACMG Guidelines, 2015. Collection method: clinical testing. Allele origin: germline.
Comment: This missense variant replaces arginine with glutamine at codon 1951 of the DSP protein. Computational prediction suggests that this variant may not impact protein structure and function (internally defined REVEL score threshold <= 0.5, PMID: 27666373). To our knowledge, functional studies have not been reported for this variant. This variant has been reported in an individual affected with hypertrophic cardiomyopathy (PMID: 25351510). This variant has been identified in 2/282116 chromosomes in the general population by the Genome Aggregation Database (gnomAD). The available evidence is insufficient to determine the role of this variant in disease conclusively. Therefore, this variant is classified as a Variant of Uncertain Significance.

Literature cited by the submitters: PubMed 25351510 (cited by Color Diagnostics, LLC DBA Color Health).

NM_004415.4(DSP):c.5852G>A (p.Arg1951Gln)

Gene: DSP (desmoplakin; plus strand). Cytogenetic location: 6p24.3.
Variant type: single nucleotide variant.
Coding change: c.5852G>A on transcript NM_004415.4 (MANE Select); coding-DNA position 5852, G replaced by A.
Protein change: p.Arg1951Gln; replaces arginine 1951 with glutamine.
Molecular consequence: missense variant.
Genome position (GRCh38, 1-based): chr6:7,583,114, G>A. VCF-style: chr6-7583114-G-A. GRCh37 (hg19) VCF-style: chr6-7583347-G-A.
Other names: c.4055G>A, p.Arg1352Gln (NM_001008844.3); c.4523G>A, p.Arg1508Gln (NM_001319034.2); short protein forms R1352Q, R1508Q, R1951Q.
Identifiers: ClinVar variation 2196616 (VCV002196616.6), dbSNP rs1210722098, ClinGen allele CA362689549.